The following is an entry in ClinVar:

NM_015599.3(PGM3):c.1104T>G (p.Tyr368Ter)

Gene: PGM3 (phosphoglucomutase 3; minus strand). Cytogenetic location: 6q14.1.
Variant type: single nucleotide variant.
Coding change: c.1104T>G on transcript NM_015599.3 (MANE Select); coding-DNA position 1104, T replaced by G.
Protein change: p.Tyr368Ter; replaces tyrosine 368 with a stop codon.
Molecular consequence: nonsense. On other transcripts: non-coding transcript variant (1).
Genome position (GRCh38, 1-based): chr6:83,175,986, A>C on the plus strand (T>G on the coding strand, the complement: PGM3 is on the minus strand). VCF-style: chr6-83175986-A-C. GRCh37 (hg19) VCF-style: chr6-83885705-A-C.
Other names: c.1188T>G, p.Tyr396Ter (NM_001199917.2, NM_001367287.1); c.861T>G, p.Tyr287Ter (NM_001199918.2); c.1104T>G, p.Tyr368Ter (NM_001199919.2, NM_001367286.1); short protein forms Y287*, Y396*, Y368*.
Identifiers: ClinVar variation 2096756 (VCV002096756.4), dbSNP rs2538081181, ClinGen allele CA364880481.
Genomic context (GRCh38, chr6:83,175,986, plus strand): 5'-TGCCAGCTAAGGCCAACTATAATTAAGAGAACTTACAGTGCCATGCCCATTTGCTTCAAA[A>C]TAAACTCCAATGTCAAACTCTTGAGCCTTGTGGTGCAAATGTTTTACACCAGTCTTAGTG-3'

ClinVar aggregate classification (germline): Pathogenic (1 of 4 stars; one submission).

Conditions:
Immunodeficiency 23 (IMD23). Also called: IMMUNODEFICIENCY WITH HYPER IgE AND COGNITIVE IMPAIRMENT; IMMUNODEFICIENCY-VASCULITIS-MYOCLONUS SYNDROME. Identifiers: Orphanet 443811, MedGen C4014371, MONDO:0014353, OMIM 615816.

Submission:

Labcorp Genetics (formerly Invitae), Labcorp
Classification: Pathogenic for Immunodeficiency 23. Last evaluated: 2022-02-22. Review status: criteria provided, single submitter. Criteria: Invitae Variant Classification Sherloc (09022015). Collection method: clinical testing. Allele origin: germline.
Comment: This sequence change creates a premature translational stop signal (p.Tyr396*) in the PGM3 gene. It is expected to result in an absent or disrupted protein product. Loss-of-function variants in PGM3 are known to be pathogenic (PMID: 17548465, 24589341, 24931394). This variant is not present in population databases (gnomAD no frequency). This variant has not been reported in the literature in individuals affected with PGM3-related conditions. For these reasons, this variant has been classified as Pathogenic.

Literature cited by the submitters: PubMed 17548465; PubMed 24589341; PubMed 24931394.